The following is an entry in ClinVar:

NM_001031689.3(PLAA):c.1782G>A (p.Gln594=)

Gene: PLAA (phospholipase A2 activating protein; minus strand). Cytogenetic location: 9p21.2.
Variant type: single nucleotide variant.
Coding change: c.1782G>A on transcript NM_001031689.3 (MANE Select); coding-DNA position 1782, G replaced by A.
Protein change: p.Gln594=; no amino-acid change (glutamine 594 retained).
Molecular consequence: synonymous variant.
Genome position (GRCh38, 1-based): chr9:26,907,874, C>T on the plus strand (G>A on the coding strand, the complement: PLAA is on the minus strand). VCF-style: chr9-26907874-C-T. GRCh37 (hg19) VCF-style: chr9-26907872-C-T.
Other names: c.1713G>A, p.Gln571= (NM_001321546.2).
Identifiers: ClinVar variation 1667706 (VCV001667706.27), dbSNP rs143112702, ClinGen allele CA5014229.
Genomic context (GRCh38, chr9:26,907,874, plus strand): 5'-TTTGAAGAGTGTTTATTTACCTTCAGGACAGTTAATAGCTTTCCACAAAATCTGAAGTTG[C>T]TGGACTGTGGGTTTTTCTGAAGAACTATTACATATTAGAGACAGTATCTTCTCAAGAAGT-3'
Protein context (NP_001026859.1, residues 584-604): CNSSSEKPTV[Gln594=]QLQILWKAIN

ClinVar aggregate classification (germline): Likely benign. Review status: criteria provided, multiple submitters, no conflicts (2 of 4 stars). 2 submissions from 2 submitters: Likely benign (2). Last evaluated 2024-07-20.

Allele frequency attached by ClinVar (database versions not stated): ExAC 0.00003; gnomAD exomes 0.00003 and 0.00008; gnomAD 0.00007; TOPMed 0.00007; ESP Exome Variant Server 0.00031.
gnomAD v4.1: 132 of 1,611,156 alleles (0.0082%); highest among the groups gnomAD compares: Non-Finnish European, 0.011%; no homozygotes.

Submissions (2):

Labcorp Genetics (formerly Invitae), Labcorp
Classification: Likely benign. Last evaluated: 2024-07-20. Review status: criteria provided, single submitter. Criteria: Invitae Variant Classification Sherloc (09022015). Collection method: clinical testing. Allele origin: germline.

CeGaT Center for Human Genetics Tuebingen
Classification: Likely benign. Last evaluated: 2024-04-01. Review status: criteria provided, single submitter. Criteria: CeGaT Center For Human Genetics Tuebingen Variant Classification Criteria Version 2. Collection method: clinical testing. Allele origin: germline. Affected: yes. Observed: 1 variant allele.
Comment: PLAA: BP4, BP7